The following is an entry in ClinVar:

NM_003384.3(VRK1):c.345del (p.Ser116fs)

Gene: VRK1 (VRK serine/threonine kinase 1; plus strand). Cytogenetic location: 14q32.2.
Variant type: Deletion.
Coding change: c.345del on transcript NM_003384.3 (MANE Select); coding-DNA position 345, one base deleted (G; older notation c.345delG).
Protein change: p.Ser116fs; shifts the reading frame from serine 116.
Molecular consequence: frameshift variant.
Genome position (GRCh38, 1-based): chr14:96,847,315, G deleted; the last of 5 consecutive G bases (chr14:96,847,311-96,847,315); deleting any one gives the same sequence. VCF-style (leftmost placement, unchanged base first): chr14-96847310-TG-T. GRCh37 (hg19) VCF-style: chr14-97313647-TG-T.
Other names: c.345del (NM_003384.2); c.345del, p.Ser116fs (NM_001411051.1, NM_001411053.1); c.345delG (NM_003384.2); short protein forms S116fs.
Identifiers: ClinVar variation 2627218 (VCV002627218.2), dbSNP rs1174255706, ClinGen allele CA710320076.

ClinVar aggregate classification (germline): Pathogenic/Likely pathogenic. Review status: criteria provided, multiple submitters, no conflicts (2 of 4 stars). 2 submissions from 2 submitters: Pathogenic (1); Likely pathogenic (1). Last evaluated 2024-05-20.

Conditions:
Pontoneocerebellar hypoplasia. Also called: Pontocerebellar hypoplasia; Non-syndromic pontocerebellar hypoplasia. Identifiers: Orphanet 98523, MedGen C1261175, MONDO:0020135.
Pontocerebellar hypoplasia type 1A (PCH1A). Also called: PONTOCEREBELLAR HYPOPLASIA WITH ANTERIOR HORN CELL DISEASE; PONTOCEREBELLAR HYPOPLASIA WITH INFANTILE SPINAL MUSCULAR ATROPHY. Identifiers: Orphanet 2254, Orphanet 88616, MedGen C1843504, MONDO:0011866, OMIM 607596.

Submissions (2):

Natera, Inc.
Classification: Likely pathogenic for Pontocerebellar hypoplasia, type 1a. Last evaluated: 2024-05-20. Review status: criteria provided, single submitter. Criteria: Natera Variant Classification Schema (03/2026). Collection method: clinical testing. Allele origin: germline.
Comment: The c.345del variant in VRK1 is a frameshift variant predicted to shift the reading frame beginning at codon 116 and leads to a stop codon 14 codons downstream. This variant is expected to result in nonsense mediated decay, truncation, or a dysfunctional protein product. This variant is rare in the general population with a frequency below the threshold expected for the associated phenotype(s). Given the available evidence, this variant is classified as Likely Pathogenic.

Women's Health and Genetics/Laboratory Corporation of America, LabCorp
Classification: Pathogenic for Pontoneocerebellar hypoplasia. Last evaluated: 2023-09-13. Review status: criteria provided, single submitter. Criteria: LabCorp Variant Classification Summary - May 2015. Collection method: clinical testing. Allele origin: germline.
Comment: Variant summary: VRK1 c.345delG (p.Ser116LeufsX14) results in a premature termination codon, predicted to cause a truncation of the encoded protein or absence of the protein due to nonsense mediated decay, which are commonly known mechanisms for disease. Variants downstream of this position have been classified as pathogenic in ClinVar. The variant was absent in 251238 control chromosomes (gnomAD). To our knowledge, no occurrence of c.345delG in individuals affected with Pontocerebellar Hypoplasia, Type 1A and no experimental evidence demonstrating its impact on protein function have been reported. No submitters have cited clinical-significance assessments for this variant to ClinVar after 2014. Based on the evidence outlined above, the variant was classified as pathogenic.